The following is an entry in ClinVar:

NM_001042492.3(NF1):c.5104G>A (p.Gly1702Ser)

Gene: NF1 (neurofibromin 1; plus strand). Cytogenetic location: 17q11.2.
Variant type: single nucleotide variant.
Coding change: c.5104G>A on transcript NM_001042492.3 (MANE Select); coding-DNA position 5104, G replaced by A.
Protein change: p.Gly1702Ser; replaces glycine 1702 with serine.
Molecular consequence: missense variant.
Genome position (GRCh38, 1-based): chr17:31,326,088, G>A. VCF-style: chr17-31326088-G-A. GRCh37 (hg19) VCF-style: chr17-29653106-G-A.
Other names: c.5041G>A, p.Gly1681Ser (NM_000267.4); short protein forms G1681S, G1702S.
Identifiers: ClinVar variation 2728114 (VCV002728114.3), dbSNP rs2151538497, ClinGen allele CA399007601.
Genomic context (GRCh38, chr17:31,326,088, plus strand): 5'-TGTAACTCCTGGGTCAGGGAGTACACCAAGTATCATGAGCGGCTGCTGACTGGCCTCAAA[G>A]GTAGCAAAAGGCTTGTTTTCATAGACTGTCCTGGGAAACTGGCTGAGCACATAGAGCATG-3'
Protein context (NP_001035957.1, residues 1692-1712): YHERLLTGLK[Gly1702Ser]SKRLVFIDCP

ClinVar aggregate classification (germline): Uncertain significance (1 of 4 stars; one submission).

Conditions:
Neurofibromatosis, type 1 (NF1). Also called: Neurofibromatosis, type I; NEUROFIBROMATOSIS, TYPE I, SOMATIC; Peripheral type neurofibromatosis; VON RECKLINGHAUSEN DISEASE. Identifiers: Orphanet 636, MedGen C0027831, MONDO:0018975, OMIM 162200. Disease mechanism: loss of function.

Submission:

Labcorp Genetics (formerly Invitae), Labcorp
Classification: Uncertain significance for Neurofibromatosis, type 1. Last evaluated: 2023-12-18. Review status: criteria provided, single submitter. Criteria: Invitae Variant Classification Sherloc (09022015). Collection method: clinical testing. Allele origin: germline.
Comment: This sequence change replaces glycine, which is neutral and non-polar, with serine, which is neutral and polar, at codon 1681 of the NF1 protein (p.Gly1681Ser). This variant is not present in population databases (gnomAD no frequency). This variant has not been reported in the literature in individuals affected with NF1-related conditions. Advanced modeling of protein sequence and biophysical properties (such as structural, functional, and spatial information, amino acid conservation, physicochemical variation, residue mobility, and thermodynamic stability) performed at Invitae indicates that this missense variant is expected to disrupt NF1 protein function with a positive predictive value of 95%. In summary, the available evidence is currently insufficient to determine the role of this variant in disease. Therefore, it has been classified as a Variant of Uncertain Significance.